The following is an entry in ClinVar:

NM_003647.3(DGKE):c.1454C>T (p.Ser485Phe)

Gene: DGKE (diacylglycerol kinase epsilon; plus strand). Cytogenetic location: 17q22.
Variant type: single nucleotide variant.
Coding change: c.1454C>T on transcript NM_003647.3 (MANE Select); coding-DNA position 1454, C replaced by T.
Protein change: p.Ser485Phe; replaces serine 485 with phenylalanine.
Molecular consequence: missense variant.
Genome position (GRCh38, 1-based): chr17:56,862,181, C>T. VCF-style: chr17-56862181-C-T. GRCh37 (hg19) VCF-style: chr17-54939542-C-T.
Other names: short protein forms S485F.
Identifiers: ClinVar variation 4280379 (VCV004280379.1).

ClinVar aggregate classification (germline): Uncertain significance (1 of 4 stars; one submission).

Conditions:
Atypical hemolytic-uremic syndrome. Identifiers: Orphanet 2134, MedGen C2931788, MONDO:0016244.

Submission:

Genomenon, Inc
Classification: Uncertain significance for Atypical hemolytic-uremic syndrome. Last evaluated: 2025-09-26. Review status: criteria provided, single submitter. Criteria: Genomenon Sequence Variant Interpretation Standards - Updated. Collection method: curation. Allele origin: germline. Affected: yes.
Comment: DGKE p.Ser485Phe (c.1454C>T) is a missense variant that changes the amino acid at residue 485 from Serine to Phenylalanine. This variant has been observed in at least one proband affected with atypical hemolytic-uremic syndrome (PMID:37744338). It is absent or not present at a significant frequency in gnomAD. In conclusion, we classify DGKE p.Ser485Phe (c.1454C>T) as a variant of uncertain significance.

Literature cited by the submitters: PubMed 37744338.